The following is an entry in ClinVar:

NM_004588.5(SCN2B):c.556A>G (p.Lys186Glu)

Gene: SCN2B (sodium voltage-gated channel beta subunit 2; minus strand). Cytogenetic location: 11q23.3.
Variant type: single nucleotide variant.
Coding change: c.556A>G on transcript NM_004588.5 (MANE Select); coding-DNA position 556, A replaced by G.
Protein change: p.Lys186Glu; replaces lysine 186 with glutamic acid.
Molecular consequence: missense variant.
Genome position (GRCh38, 1-based): chr11:118,166,979, T>C on the plus strand (A>G on the coding strand, the complement: SCN2B is on the minus strand). VCF-style: chr11-118166979-T-C. GRCh37 (hg19) VCF-style: chr11-118037694-T-C.
Other names: short protein forms K186E.
Identifiers: ClinVar variation 4753588 (VCV004753588.1).

ClinVar aggregate classification (germline): Uncertain significance (1 of 4 stars; one submission).

Conditions:
Atrial fibrillation, familial, 14 (ATFB14). Identifiers: MedGen C3809312, MONDO:0014156, OMIM 615378.

gnomAD v4.1: 5 of 1,614,078 alleles (0.00031%); highest among the groups gnomAD compares: Middle Eastern, 0.016%; no homozygotes.

Submission:

Labcorp Genetics (formerly Invitae), Labcorp
Classification: Uncertain significance for Atrial fibrillation, familial, 14. Last evaluated: 2025-03-26. Review status: criteria provided, single submitter. Criteria: Invitae Variant Classification Sherloc (09022015). Collection method: clinical testing. Allele origin: germline.
Comment: This sequence change replaces lysine, which is basic and polar, with glutamic acid, which is acidic and polar, at codon 186 of the SCN2B protein (p.Lys186Glu). This variant is present in population databases (rs755641138, gnomAD 0.003%). This variant has not been reported in the literature in individuals affected with SCN2B-related conditions. An algorithm developed to predict the effect of missense changes on protein structure and function (PolyPhen-2) suggests that this variant is likely to be disruptive. In summary, the available evidence is currently insufficient to determine the role of this variant in disease. Therefore, it has been classified as a Variant of Uncertain Significance.